The following is an entry in ClinVar:

NM_000875.5(IGF1R):c.2984_2986delinsG (p.Ala995fs)

Gene: IGF1R (insulin like growth factor 1 receptor; plus strand). Cytogenetic location: 15q26.3.
Variant type: Indel.
Coding change: c.2984_2986delinsG on transcript NM_000875.5 (MANE Select); coding-DNA positions 2984 to 2986, CTC replaced by G.
Protein change: p.Ala995fs; shifts the reading frame from alanine 995.
Molecular consequence: frameshift variant.
Genome position (GRCh38, 1-based): chr15:98,934,851-98,934,853, CTC replaced by G. VCF-style: chr15-98934851-CTC-G. GRCh37 (hg19) VCF-style: chr15-99478080-CTC-G.
Other names: c.2981_2983delinsG, p.Ala994fs (NM_001291858.2); short protein forms A994fs, A995fs.
Identifiers: ClinVar variation 966282 (VCV000966282.5), dbSNP rs2016082493, ClinGen allele CA1139664181.
Genomic context (GRCh38, chr15:98,934,851, plus strand): 5'-CTGTACCTGCTTTAATTACGGTTTCTTCTCCAGTGTACGTTCCTGATGAGTGGGAGGTGG[CTC>G]GGGAGAAGATCACCATGAGCCGGGAACTTGGGCAGGGGTCGTTTGGGATGGTCTATGAAG-3'

ClinVar aggregate classification (germline): Pathogenic (1 of 4 stars; one submission).

Submission:

Labcorp Genetics (formerly Invitae), Labcorp
Classification: Pathogenic. Last evaluated: 2019-12-05. Review status: criteria provided, single submitter. Criteria: Invitae Variant Classification Sherloc (09022015). Collection method: clinical testing. Allele origin: germline.
Comment: This sequence change creates a premature translational stop signal (p.Arg996Glyfs*19) in the IGF1R gene. It is expected to result in an absent or disrupted protein product. For these reasons, this variant has been classified as Pathogenic. Loss-of-function variants in IGF1R are known to be pathogenic (PMID: 14657428). This variant has not been reported in the literature in individuals with IGF1R-related conditions. This variant is not present in population databases (ExAC no frequency).

Literature cited by the submitters: PubMed 14657428.